The following is an entry in ClinVar:

NM_004186.5(SEMA3F):c.12C>T (p.Ala4=)

Gene: SEMA3F (semaphorin 3F; plus strand). Cytogenetic location: 3p21.31.
Variant type: single nucleotide variant.
Coding change: c.12C>T on transcript NM_004186.5 (MANE Select); coding-DNA position 12, C replaced by T.
Protein change: p.Ala4=; no amino-acid change (alanine 4 retained).
Molecular consequence: synonymous variant. On other transcripts: intron variant (1).
Genome position (GRCh38, 1-based): chr3:50,159,634, C>T. VCF-style: chr3-50159634-C-T. GRCh37 (hg19) VCF-style: chr3-50197067-C-T.
Other names: c.12C>T, p.Ala4= (NM_001318800.2); c.-135-58C>T (NM_001318798.2).
Identifiers: ClinVar variation 3051108 (VCV003051108.2), dbSNP rs201364829, ClinGen allele CA2411596.
Genomic context (GRCh38, chr3:50,159,634, plus strand): 5'-GGTTTCTAGAGAGTGGAGCCTGCTTCCTGGGCCCTAGGCCCCTCCCACAATGCTTGTCGC[C>T]GGTCTTCTTCTCTGGGCTTCCCTACTGACCGGGGCCTGGCCATCCTTCCCCACCCAGGAC-3'
Protein context (NP_004177.3, residues 1-14): MLV[Ala4=]GLLLWASLLT

ClinVar aggregate classification (germline): Likely benign (0 of 4 stars; one submission).

Conditions:
SEMA3F-related disorder. Also called: SEMA3F-related condition.

Allele frequency attached by ClinVar (database versions not stated): ESP Exome Variant Server 0.00008; 1000 Genomes Project 0.00040; 1000 Genomes Project 30x 0.00047; TOPMed 0.00057.
gnomAD v4.1: 242 of 1,609,210 alleles (0.015%); highest among the groups gnomAD compares: Admixed American, 0.096%; 1 homozygote.

Submission:

PreventionGenetics, part of Exact Sciences
Classification: Likely benign for SEMA3F-related condition. Last evaluated: 2021-10-10. Review status: no assertion criteria provided. Collection method: clinical testing. Allele origin: germline.
Comment: This variant is classified as likely benign based on ACMG/AMP sequence variant interpretation guidelines (Richards et al. 2015 PMID: 25741868, with internal and published modifications).